The following is an entry in ClinVar:

NM_032524.2(KRTAP4-4):c.79_93del (p.Gln27_Cys31del)

Gene: KRTAP4-4 (keratin associated protein 4-4; minus strand). Cytogenetic location: 17q21.2.
Variant type: Deletion.
Coding change: c.79_93del on transcript NM_032524.2 (MANE Select); coding-DNA positions 79 to 93, 15 bases deleted (CAGACCACCTGCTGC).
Protein change: p.Gln27_Cys31del.
Genome position (GRCh38, 1-based): chr17:41,160,599-41,160,613, GCAGCAGGTGGTCTG deleted on the plus strand (CAGACCACCTGCTGC on the coding strand, the reverse complement: KRTAP4-4 is on the minus strand); deleting any 15 consecutive bases within chr17:41,160,599-41,160,617 gives the same sequence; the c. name uses the placement nearest the transcript's 3' end. VCF-style (leftmost placement, unchanged base first): chr17-41160598-TGCAGCAGGTGGTCTG-T. GRCh37 (hg19) VCF-style: chr17-39316850-TGCAGCAGGTGGTCTG-T.
Identifiers: ClinVar variation 4681267 (VCV004681267.5).

ClinVar aggregate classification (germline): Likely benign (1 of 4 stars; one submission).

Submission:

CeGaT Center for Human Genetics Tuebingen
Classification: Likely benign. Last evaluated: 2025-11-01. Review status: criteria provided, single submitter. Criteria: CeGaT Center For Human Genetics Tuebingen Variant Classification Criteria Version 2. Collection method: clinical testing. Allele origin: germline. Affected: yes. Observed: 1 variant allele.
Comment: KRTAP4-4: PM4, BS2